The following is an entry in ClinVar:

ClinVar aggregate classification (germline): Conflicting classifications of pathogenicity. Review status: criteria provided, conflicting classifications (1 of 4 stars). 3 submissions from 3 submitters: Uncertain significance (1); Likely benign (1). 1 of the submissions does not count toward it. Last evaluated 2025-10-15.

Conditions:
ARMC5-related disorder. Also called: ARMC5-related condition.
Inborn genetic diseases. Identifiers: MedGen C0950123, MeSH D030342.

Allele frequency attached by ClinVar (database versions not stated): ExAC 0.00003; gnomAD exomes 0.00004; gnomAD 0.00017 and 0.00016; ESP Exome Variant Server 0.00008; TOPMed 0.00008.
gnomAD v4.1: 140 of 1,601,708 alleles (0.0087%); highest among the groups gnomAD compares: Admixed American, 0.033%; no homozygotes.

Submissions (3):

Ambry Genetics
Classification: Likely benign for Inborn genetic diseases. Last evaluated: 2025-10-15. Review status: criteria provided, single submitter. Criteria: Ambry Variant Classification Scheme 2023. Collection method: clinical testing. Allele origin: germline.

GeneDx
Classification: Uncertain significance. Last evaluated: 2019-09-06. Review status: criteria provided, single submitter. Criteria: GeneDx Variant Classification Process June 2021. Collection method: clinical testing. Allele origin: germline. Affected: yes.
Comment: In silico analysis, which includes protein predictors and evolutionary conservation, supports that this variant does not alter protein structure/function; Has not been previously published as pathogenic or benign to our knowledge

PreventionGenetics, part of Exact Sciences
Classification: Uncertain significance for ARMC5-related condition. Last evaluated: 2024-06-25. Review status: no assertion criteria provided. Collection method: clinical testing. Allele origin: germline. Not counted in ClinVar's aggregate classification.
Comment: The ARMC5 c.724A>G variant is predicted to result in the amino acid substitution p.Thr242Ala. To our knowledge, this variant has not been reported in the literature. This variant is reported in 0.0088% of alleles in individuals of Latino descent in gnomAD. This variant is classified as a variant of uncertain significance in ClinVar. At this time, the clinical significance of this variant is uncertain due to the absence of conclusive functional and genetic evidence.

NM_001105247.2(ARMC5):c.439A>G (p.Thr147Ala)

Genes: ARMC5 (armadillo repeat containing 5; plus strand), LOC130058906 (ATAC-STARR-seq lymphoblastoid silent region 7419; plus strand). Cytogenetic location: 16p11.2.
Variant type: single nucleotide variant.
Coding change: c.439A>G on transcript NM_001105247.2 (MANE Select); coding-DNA position 439, A replaced by G.
Protein change: p.Thr147Ala; replaces threonine 147 with alanine.
Molecular consequence: missense variant.
Genome position (GRCh38, 1-based): chr16:31,459,963, A>G. VCF-style: chr16-31459963-A-G. GRCh37 (hg19) VCF-style: chr16-31471284-A-G.
Other names: c.724A>G, p.Thr242Ala (NM_001288767.2); c.535A>G, p.Thr179Ala (NM_001301820.1); c.439A>G, p.Thr147Ala (NM_024742.2); c.724A>G (NM_001288767.1); short protein forms T147A, T179A, T242A.
Identifiers: ClinVar variation 1311256 (VCV001311256.4), dbSNP rs374754128, ClinGen allele CA8029446.